The following is an entry in ClinVar:

NM_001170.3(AQP7):c.343T>C (p.Tyr115His)

Genes: AQP7 (aquaporin 7; minus strand), LOC126860614 (BRD4-independent group 4 enhancer GRCh37_chr9:33385863-33387062; plus strand). Cytogenetic location: 9p13.3.
Variant type: single nucleotide variant.
Coding change: c.343T>C on transcript NM_001170.3 (MANE Select); coding-DNA position 343, T replaced by C.
Protein change: p.Tyr115His; replaces tyrosine 115 with histidine.
Molecular consequence: missense variant. On other transcripts: non-coding transcript variant (5).
Genome position (GRCh38, 1-based): chr9:33,386,467, A>G on the plus strand (T>C on the coding strand, the complement: AQP7 is on the minus strand). VCF-style: chr9-33386467-A-G. GRCh37 (hg19) VCF-style: chr9-33386465-A-G.
Other names: c.172T>C, p.Tyr58His (NM_001318156.2); c.340T>C, p.Tyr114His (NM_001318157.2); c.343T>C, p.Tyr115His (NM_001318158.2, NM_001376191.1, NM_001376192.1 and 1 more transcripts); short protein forms Y115H, Y58H, Y114H.
Identifiers: ClinVar variation 402389 (VCV000402389.4), dbSNP rs74668961, ClinGen allele CA5025988.

ClinVar aggregate classification (germline): Benign (1 of 4 stars; one submission).

Allele frequency attached by ClinVar (database versions not stated): gnomAD exomes below 0.00001; ExAC 0.06484.

Submission:

Laboratory for Molecular Medicine, Mass General Brigham Personalized Medicine
Classification: Benign. Last evaluated: 2016-03-28. Review status: criteria provided, single submitter. Criteria: LMM Criteria. Collection method: clinical testing. Allele origin: germline.
Comment: Variant identified in a genome or exome case(s) and assessed due to predicted null impact of the variant or pathogenic assertions in the literature or databases. Disclaimer: This variant has not undergone full assessment. The following are preliminary notes: Frequency